The following is an entry in ClinVar:

NM_001330288.2(SMARCC2):c.3397C>G (p.Leu1133Val)

Gene: SMARCC2 (SWI/SNF related BAF chromatin remodeling complex subunit C2; minus strand). Cytogenetic location: 12q13.2.
Variant type: single nucleotide variant.
Coding change: c.3397C>G on transcript NM_001330288.2 (MANE Select); coding-DNA position 3397, C replaced by G.
Protein change: p.Leu1133Val; replaces leucine 1133 with valine.
Molecular consequence: missense variant. On other transcripts: intron variant (2).
Genome position (GRCh38, 1-based): chr12:56,164,567, G>C on the plus strand (C>G on the coding strand, the complement: SMARCC2 is on the minus strand). VCF-style: chr12-56164567-G-C. GRCh37 (hg19) VCF-style: chr12-56558351-G-C.
Other names: c.3304C>G, p.Leu1102Val (NM_003075.5); c.3316+81C>G (NM_139067.4, NM_001130420.3); short protein forms L1102V, L1133V.
Identifiers: ClinVar variation 2389377 (VCV002389377.10), dbSNP rs77238054, ClinGen allele CA6625564.

ClinVar aggregate classification (germline): Likely benign. Review status: criteria provided, multiple submitters, no conflicts (2 of 4 stars). 2 submissions from 2 submitters: Likely benign (2). Last evaluated 2025-07-01.

Conditions:
Inborn genetic diseases. Identifiers: MedGen C0950123, MeSH D030342.

Allele frequency attached by ClinVar (database versions not stated): ExAC 0.00008; ESP Exome Variant Server 0.00008; TOPMed 0.00009; gnomAD 0.00010; gnomAD exomes 0.00028.
gnomAD v4.1: 415 of 1,613,984 alleles (0.026%); highest among the groups gnomAD compares: Non-Finnish European, 0.034%; 1 homozygote.

Submissions (2):

CeGaT Center for Human Genetics Tuebingen
Classification: Likely benign. Last evaluated: 2025-07-01. Review status: criteria provided, single submitter. Criteria: CeGaT Center For Human Genetics Tuebingen Variant Classification Criteria Version 2. Collection method: clinical testing. Allele origin: germline. Affected: yes. Observed: 1 variant allele.
Comment: SMARCC2: BS2

Ambry Genetics
Classification: Likely benign for Inborn genetic diseases. Last evaluated: 2022-02-09. Review status: criteria provided, single submitter. Criteria: Ambry Variant Classification Scheme 2023. Collection method: clinical testing. Allele origin: germline.